The following is an entry in ClinVar:

ClinVar aggregate classification (germline): Uncertain significance (1 of 4 stars; one submission).

Allele frequency attached by ClinVar (database versions not stated): gnomAD exomes below 0.00001.
gnomAD v4.1: 2 of 1,602,030 alleles (0.00012%); highest among the groups gnomAD compares: South Asian, 0.0011%; no homozygotes.

Submission:

Labcorp Genetics (formerly Invitae), Labcorp
Classification: Uncertain significance. Last evaluated: 2021-10-21. Review status: criteria provided, single submitter. Criteria: Invitae Variant Classification Sherloc (09022015). Collection method: clinical testing. Allele origin: germline.
Comment: In summary, the available evidence is currently insufficient to determine the role of this variant in disease. Therefore, it has been classified as a Variant of Uncertain Significance. Advanced modeling of protein sequence and biophysical properties (such as structural, functional, and spatial information, amino acid conservation, physicochemical variation, residue mobility, and thermodynamic stability) performed at Invitae indicates that this missense variant is not expected to disrupt CPLANE1 protein function. This variant has not been reported in the literature in individuals affected with CPLANE1-related conditions. This variant is not present in population databases (ExAC no frequency). This sequence change replaces threonine with alanine at codon 3053 of the CPLANE1 protein (p.Thr3053Ala). The threonine residue is moderately conserved and there is a small physicochemical difference between threonine and alanine.

NM_001384732.1(CPLANE1):c.9319A>G (p.Thr3107Ala)

Gene: CPLANE1 (ciliogenesis and planar polarity effector complex subunit 1; minus strand). Cytogenetic location: 5p13.2.
Variant type: single nucleotide variant.
Coding change: c.9319A>G on transcript NM_001384732.1 (MANE Select); coding-DNA position 9319, A replaced by G.
Protein change: p.Thr3107Ala; replaces threonine 3107 with alanine.
Molecular consequence: missense variant.
Genome position (GRCh38, 1-based): chr5:37,115,041, T>C on the plus strand (A>G on the coding strand, the complement: CPLANE1 is on the minus strand). VCF-style: chr5-37115041-T-C. GRCh37 (hg19) VCF-style: chr5-37115143-T-C.
Other names: c.9157A>G, p.Thr3053Ala (NM_023073.4); short protein forms T3107A, T3053A.
Identifiers: ClinVar variation 1346200 (VCV001346200.6), dbSNP rs1279382736, ClinGen allele CA359492055.